The following is an entry in ClinVar:

ClinVar aggregate classification (germline): Benign/Likely benign. Review status: criteria provided, multiple submitters, no conflicts (2 of 4 stars). 2 submissions from 2 submitters: Benign (1); Likely benign (1). Last evaluated 2025-07-06.

Conditions:
Malan overgrowth syndrome (MALNS). Also called: NFIX-Related Malan Syndrome; MALAN SYNDROME; Sotos syndrome 2. Identifiers: Orphanet 420179, MedGen C3553660, MONDO:0013885, OMIM 614753.
Marshall-Smith syndrome (MRSHSS). Identifiers: Orphanet 561, MedGen C0265211, MONDO:0011244, OMIM 602535.

Allele frequency attached by ClinVar (database versions not stated): TOPMed 0.00006; ESP Exome Variant Server 0.00008; gnomAD 0.00011.
gnomAD v4.1: 38 of 1,613,804 alleles (0.0024%); highest among the groups gnomAD compares: African/African-American, 0.028%; no homozygotes.

Submissions (2):

Labcorp Genetics (formerly Invitae), Labcorp
Classification: Benign for Malan overgrowth syndrome; Marshall-Smith syndrome. Last evaluated: 2025-07-06. Review status: criteria provided, single submitter. Criteria: Invitae Variant Classification Sherloc (09022015). Collection method: clinical testing. Allele origin: germline.

GeneDx
Classification: Likely benign. Last evaluated: 2018-05-17. Review status: criteria provided, single submitter. Criteria: GeneDx Variant Classification (06012015). Collection method: clinical testing. Allele origin: germline. Affected: yes.
Comment: This variant is considered likely benign or benign based on one or more of the following criteria: it is a conservative change, it occurs at a poorly conserved position in the protein, it is predicted to be benign by multiple in silico algorithms, and/or has population frequency not consistent with disease.

NM_001365902.3(NFIX):c.1408G>A (p.Ala470Thr)

Gene: NFIX (nuclear factor I X; plus strand). Cytogenetic location: 19p13.13.
Variant type: single nucleotide variant.
Coding change: c.1408G>A on transcript NM_001365902.3 (MANE Select); coding-DNA position 1408, G replaced by A.
Protein change: p.Ala470Thr; replaces alanine 470 with threonine.
Molecular consequence: missense variant. On other transcripts: synonymous variant (5).
Genome position (GRCh38, 1-based): chr19:13,090,304, G>A. VCF-style: chr19-13090304-G-A. GRCh37 (hg19) VCF-style: chr19-13201118-G-A.
Other names: c.1432G>A, p.Ala478Thr (NM_001271043.2); c.1236G>A, p.Ser412= (NM_001271044.3); c.1137G>A, p.Ser379= (NM_001365982.2); c.1119G>A, p.Ser373= (NM_001365983.2); c.1405G>A, p.Ala469Thr (NM_001365984.2); c.1257G>A, p.Ser419= (NM_001365985.2); c.1384G>A, p.Ala462Thr (NM_001378404.1); c.1456G>A, p.Ala486Thr (NM_001378405.1); and 1 more; short protein forms A469T, A470T, A478T, A462T, A486T.
Identifiers: ClinVar variation 668469 (VCV000668469.7), dbSNP rs372257657, ClinGen allele CA9237179.